The following is an entry in ClinVar:

ClinVar aggregate classification (germline): Likely pathogenic (1 of 4 stars; one submission).

Conditions:
Primary ciliary dyskinesia 3. Identifiers: Orphanet 244, MedGen C1837618, MONDO:0012085, OMIM 608644.

Submission:

Myriad Genetics, Inc.
Classification: Likely pathogenic for Primary ciliary dyskinesia 3. Last evaluated: 2022-02-05. Review status: criteria provided, single submitter. Criteria: Myriad Women's Health Autosomal Recessive and X-Linked Classification Criteria (2021). Collection method: clinical testing. Allele origin: unknown.
Comment: NM_001369.2(DNAH5):c.4130delA(N1377Ifs*29) is expected to be pathogenic in the context of DNAH5-related primary ciliary dyskinesia. This variant is predicted to lead to an abnormal or absent protein product due to the creation of a premature termination codon in DNAH5, a gene where loss-of-function variants are known to be pathogenic. Please note: this variant was assessed in the context of healthy population screening.

NM_001369.3(DNAH5):c.4130del (p.Asn1377fs)

Genes: DNAH5-AS1 (DNAH5 antisense RNA 1; plus strand), DNAH5 (dynein axonemal heavy chain 5; minus strand). Cytogenetic location: 5p15.2.
Variant type: Deletion.
Coding change: c.4130del on transcript NM_001369.3 (MANE Select); coding-DNA position 4130, one base deleted (A; older notation c.4130delA).
Protein change: p.Asn1377fs; shifts the reading frame from asparagine 1377.
Molecular consequence: frameshift variant.
Genome position (GRCh38, 1-based): chr5:13,865,893, T deleted on the plus strand (A on the coding strand, the reverse complement: DNAH5 is on the minus strand); the first of 2 consecutive T bases (chr5:13,865,893-13,865,894); deleting either gives the same sequence. VCF-style (leftmost placement, unchanged base first): chr5-13865892-AT-A. GRCh37 (hg19) VCF-style: chr5-13866001-AT-A.
Other names: short protein forms N1377fs.
Identifiers: ClinVar variation 1724311 (VCV001724311.2), dbSNP rs2546983240, ClinGen allele CA2580072130.